The following is an entry in ClinVar:

ClinVar aggregate classification (germline): Benign. Review status: criteria provided, multiple submitters, no conflicts (2 of 4 stars). 2 submissions from 2 submitters: Benign (2). Last evaluated 2018-01-12.

Conditions:
Leukocyte adhesion deficiency 1 (LAD1). Also called: LAD 1; Lymphocyte function-associated antigen 1 immunodeficiency; LFA 1 immunodeficiency; LEUKOCYTE ADHESION DEFICIENCY, TYPE I. Identifiers: Orphanet 2968, Orphanet 99842, MedGen C0398738, MONDO:0007293, OMIM 116920.

Allele frequency attached by ClinVar (database versions not stated): TOPMed 0.21818; gnomAD exomes 0.22165; 1000 Genomes Project 0.16434; gnomAD 0.21817 and 0.21724; 1000 Genomes Project 30x 0.16193.
gnomAD v4.1: 33,323 of 152,340 alleles (22%); highest among the groups gnomAD compares: Non-Finnish European, 30%; 4,491 homozygotes.

Submissions (2):

Illumina Laboratory Services, Illumina
Classification: Benign for Leukocyte adhesion deficiency 1. Last evaluated: 2018-01-12. Review status: criteria provided, single submitter. Criteria: ICSL Variant Classification Criteria 13 December 2019. Collection method: clinical testing. Allele origin: germline.
Comment: This variant was observed in the ICSL laboratory as part of a predisposition screen in an ostensibly healthy population. It had not been previously curated by ICSL or reported in the Human Gene Mutation Database (HGMD: prior to June 1st, 2018), and was therefore a candidate for classification through an automated scoring system. Utilizing variant allele frequency, disease prevalence and penetrance estimates, and inheritance mode, an automated score was calculated to assess if this variant is too frequent to cause the disease. Based on the score and internal cut-off values, a variant classified as benign is not then subjected to further curation. The score for this variant resulted in a classification of benign for this disease.

Breakthrough Genomics
Classification: Benign. Review status: criteria provided, single submitter. Criteria: ACMG Guidelines, 2015. Collection method: not provided. Allele origin: germline. Inheritance: Autosomal recessive inheritance. Affected: yes.

NM_000211.3(ITGB2):c.-111T>C

Gene: ITGB2 (integrin subunit beta 2; minus strand). Cytogenetic location: 21q22.3.
Variant type: single nucleotide variant.
Coding change: c.-111T>C on transcript NM_000211.3; 111 bases upstream of the start codon, T replaced by C.
Molecular consequence: intron variant (on NM_001127491.3).
Genome position (GRCh38, 1-based): chr21:44,920,928, A>G on the plus strand (T>C on the coding strand, the complement: ITGB2 is on the minus strand). VCF-style: chr21-44920928-A-G. GRCh37 (hg19) VCF-style: chr21-46340843-A-G.
Other names: c.-4+7726T>C (NM_001127491.3).
Identifiers: ClinVar variation 340189 (VCV000340189.8), dbSNP rs2070947, ClinGen allele CA10650608.